The following is an entry in ClinVar:

ClinVar aggregate classification (germline): Benign/Likely benign. Review status: criteria provided, multiple submitters, no conflicts (2 of 4 stars). 7 submissions from 7 submitters: Benign (3); Likely benign (3). 1 of the submissions does not count toward it. Last evaluated 2026-02-03.

Conditions:
Noonan syndrome and Noonan-related syndrome. Identifiers: Orphanet 98733, MedGen C5681679, MONDO:0020297.
Noonan syndrome 9 (NS9). Identifiers: Orphanet 648, MedGen C4225282, MONDO:0014691, OMIM 616559.
SOS2-related disorder. Also called: SOS2-related condition.
Cardiovascular phenotype. Identifiers: MedGen CN230736.

Allele frequency attached by ClinVar (database versions not stated): TOPMed 0.00025; 1000 Genomes Project 0.00080; 1000 Genomes Project 30x 0.00094.
gnomAD v4.1: 406 of 1,595,642 alleles (0.025%); highest among the groups gnomAD compares: Admixed American, 0.069%; no homozygotes.

Submissions (7):

Labcorp Genetics (formerly Invitae), Labcorp
Classification: Likely benign for Noonan syndrome 9. Last evaluated: 2026-02-03. Review status: criteria provided, single submitter. Criteria: Invitae Variant Classification Sherloc (09022015). Collection method: clinical testing. Allele origin: germline.

Blueprint Genetics
Classification: Likely benign. Last evaluated: 2024-10-22. Review status: criteria provided, single submitter. Criteria: ACMG Guidelines, 2015. Collection method: clinical testing. Allele origin: germline.

Women's Health and Genetics/Laboratory Corporation of America, LabCorp
Classification: Benign. Last evaluated: 2023-09-25. Review status: criteria provided, single submitter. Criteria: LabCorp Variant Classification Summary - May 2015. Collection method: clinical testing. Allele origin: germline.

Ambry Genetics
Classification: Likely benign for Cardiovascular phenotype. Last evaluated: 2022-06-06. Review status: criteria provided, single submitter. Criteria: Ambry Variant Classification Scheme 2023. Collection method: clinical testing. Allele origin: germline.

Genome Diagnostics Laboratory, The Hospital for Sick Children
Classification: Benign for Noonan syndrome and Noonan-related syndrome. Last evaluated: 2020-06-01. Review status: criteria provided, single submitter. Criteria: ACMG Guidelines, 2015. Collection method: clinical testing. Allele origin: germline.

Genome-Nilou Lab
Classification: Benign for Noonan syndrome 9. Review status: criteria provided, single submitter. Criteria: ACMG Guidelines, 2015. Collection method: clinical testing. Allele origin: germline.

PreventionGenetics, part of Exact Sciences
Classification: Likely benign for SOS2-related condition. Last evaluated: 2019-03-06. Review status: no assertion criteria provided. Collection method: clinical testing. Allele origin: germline. Not counted in ClinVar's aggregate classification.
Comment: This variant is classified as likely benign based on ACMG/AMP sequence variant interpretation guidelines (Richards et al. 2015 PMID: 25741868, with internal and published modifications).

NM_006939.4(SOS2):c.399A>C (p.Val133=)

Gene: SOS2 (SOS Ras/Rho guanine nucleotide exchange factor 2; minus strand). Cytogenetic location: 14q21.3.
Variant type: single nucleotide variant.
Coding change: c.399A>C on transcript NM_006939.4 (MANE Select); coding-DNA position 399, A replaced by C.
Protein change: p.Val133=; no amino-acid change (valine 133 retained).
Molecular consequence: synonymous variant.
Genome position (GRCh38, 1-based): chr14:50,199,802, T>G on the plus strand (A>C on the coding strand, the complement: SOS2 is on the minus strand). VCF-style: chr14-50199802-T-G. GRCh37 (hg19) VCF-style: chr14-50666520-T-G.
Identifiers: ClinVar variation 705054 (VCV000705054.19), dbSNP rs144584870, ClinGen allele CA7177525.
Genomic context (GRCh38, chr14:50,199,802, plus strand): 5'-CCGGATATTAAAAACATAATTACCAGCCAATTTTAAAATATCAGCTGAGATATACTCTAG[T>G]ACAGCCACAATATATAGGGATACATGGTAGTCCACTTTGTACCCTAATACTTCCTGTGAA-3'
Protein context (NP_008870.2, residues 123-143): DYHVSLYIVA[Val133=]LEYISADILK